The following is an entry in ClinVar:

ClinVar aggregate classification (germline): Likely benign. Review status: criteria provided, single submitter (1 of 4 stars). 2 submissions from 2 submitters: Likely benign (1). 1 of the submissions does not count toward it. Last evaluated 2024-03-14.

Conditions:
HNF1B-related disorder. Also called: HNF1B-related disorders; HNF1B-related condition.

gnomAD v4.1: 9 of 1,614,012 alleles (0.00056%); highest among the groups gnomAD compares: Admixed American, 0.0017%; no homozygotes.

Submissions (2):

Labcorp Genetics (formerly Invitae), Labcorp
Classification: Likely benign. Last evaluated: 2024-03-14. Review status: criteria provided, single submitter. Criteria: Invitae Variant Classification Sherloc (09022015). Collection method: clinical testing. Allele origin: germline.

PreventionGenetics, part of Exact Sciences
Classification: Likely benign for HNF1B-related condition. Last evaluated: 2021-05-02. Review status: no assertion criteria provided. Collection method: clinical testing. Allele origin: germline. Not counted in ClinVar's aggregate classification.
Comment: This variant is classified as likely benign based on ACMG/AMP sequence variant interpretation guidelines (Richards et al. 2015 PMID: 25741868, with internal and published modifications).

NM_000458.4(HNF1B):c.1005C>G (p.Pro335=)

Gene: HNF1B (HNF1 homeobox B; minus strand). Cytogenetic location: 17q12.
Variant type: single nucleotide variant.
Coding change: c.1005C>G on transcript NM_000458.4 (MANE Select); coding-DNA position 1005, C replaced by G.
Protein change: p.Pro335=; no amino-acid change (proline 335 retained).
Molecular consequence: synonymous variant.
Genome position (GRCh38, 1-based): chr17:37,731,635, G>C on the plus strand (C>G on the coding strand, the complement: HNF1B is on the minus strand). VCF-style: chr17-37731635-G-C. GRCh37 (hg19) VCF-style: chr17-36091626-G-C.
Other names: c.927C>G, p.Pro309= (NM_001165923.4, NM_001304286.2); c.1005C>G, p.Pro335= (NM_001411100.1).
Identifiers: ClinVar variation 3029407 (VCV003029407.4), dbSNP rs778320577, ClinGen allele CA8518952.